The following is an entry in ClinVar:

NM_001256071.3(RNF213):c.5180C>T (p.Thr1727Met)

Gene: RNF213 (ring finger protein 213; plus strand). Cytogenetic location: 17q25.3.
Variant type: single nucleotide variant.
Coding change: c.5180C>T on transcript NM_001256071.3 (MANE Select); coding-DNA position 5180, C replaced by T.
Protein change: p.Thr1727Met; replaces threonine 1727 with methionine.
Molecular consequence: missense variant.
Genome position (GRCh38, 1-based): chr17:80,339,547, C>T. VCF-style: chr17-80339547-C-T. GRCh37 (hg19) VCF-style: chr17-78313347-C-T.
Other names: c.5327C>T, p.Thr1776Met (NM_001410195.1, NM_020914.5); short protein forms T1727M, T1776M.
Identifiers: ClinVar variation 2713007 (VCV002713007.3), dbSNP rs371978343, ClinGen allele CA294911906.
Genomic context (GRCh38, chr17:80,339,547, plus strand): 5'-AGCAGCTGGTTTACCTGAGCACTGAGCTCAGGAAGCAGCCCCCGAGTGATGCCGCCCTAA[C>T]GATGCTATCCTTCATCAAAAGCAACTGCACCCTGAGGGATGTCTTAAGGGCCTCTGTGGG-3'
Protein context (NP_001243000.2, residues 1717-1737): RKQPPSDAAL[Thr1727Met]MLSFIKSNCT

ClinVar aggregate classification (germline): Uncertain significance (1 of 4 stars; one submission).

Allele frequency attached by ClinVar (database versions not stated): gnomAD 0.00003; TOPMed 0.00003; gnomAD exomes 0.00005; ESP Exome Variant Server 0.00022.
gnomAD v4.1: 70 of 1,537,058 alleles (0.0046%); highest among the groups gnomAD compares: East Asian, 0.012%; no homozygotes.

Submission:

Labcorp Genetics (formerly Invitae), Labcorp
Classification: Uncertain significance. Last evaluated: 2024-07-16. Review status: criteria provided, single submitter. Criteria: Invitae Variant Classification Sherloc (09022015). Collection method: clinical testing. Allele origin: germline.
Comment: This sequence change replaces threonine, which is neutral and polar, with methionine, which is neutral and non-polar, at codon 1727 of the RNF213 protein (p.Thr1727Met). This variant is present in population databases (rs371978343, gnomAD 0.03%). This missense change has been observed in individual(s) with RNF213-related conditions (PMID: 27128593). An algorithm developed to predict the effect of missense changes on protein structure and function outputs the following: PolyPhen-2: "Benign". The methionine amino acid residue is found in multiple mammalian species, which suggests that this missense change does not adversely affect protein function. In summary, the available evidence is currently insufficient to determine the role of this variant in disease. Therefore, it has been classified as a Variant of Uncertain Significance.

Literature cited by the submitters: PubMed 27128593.